The following continues an entry in ClinVar:

NM_000551.4(VHL):c.292T>C (p.Tyr98His)

Gene: VHL. ClinVar aggregate classification (germline): Pathogenic. Pathogenic (14).

Submissions 11 to 17 of 17:

Laboratory for Molecular Medicine, Mass General Brigham Personalized Medicine
Classification: Pathogenic for Von Hippel-Lindau syndrome. Last evaluated: 2019-12-03. Review status: criteria provided, single submitter. Criteria: ACMG Guidelines, 2015. Collection method: clinical testing. Allele origin: germline. Inheritance: Autosomal dominant inheritance.
Comment: The p.Tyr98His variant in VHL has been reported in >25 individuals with Von Hippel-Lindau disease and segregated with disease in >50 affected individuals from several families, and is considered a founder variant in the Black Forest region in Germany (Bender 2001). It has also been identified in 2/100722 of European chromosomes by gnomAD. This variant has also been reported in ClinVar (Variation ID 2223). Computational prediction tools and conservation analyses suggest that this variant may impact the protein, though this information is not predictive enough to determine pathogenicity. In vitro functional studies support an impact on protein function (Hoffman 2001, Clifford 2001, Shmueli 2013). In summary, this variant meets criteria to be classified as pathogenic for autosomal dominant Von Hippel- Lindeau disease. ACMG/AMP Criteria applied: PS4, PP1_Strong, PM2, PS3_Supporting, PP3.

Athena Diagnostics
Classification: Pathogenic. Last evaluated: 2019-02-15. Review status: criteria provided, single submitter. Criteria: Athena Diagnostics Criteria. Collection method: clinical testing. Allele origin: germline.
Comment: The best available variant frequency is uninformative because it is below the disease allele frequency. Found in at least one symptomatic patient. Predicted to have a damaging effect on the protein. Damaging to protein function(s) relevant to disease mechanism. Moderate co-segregation with disease. However, available data are from a single family.

Quest Diagnostics Nichols Institute San Juan Capistrano
Classification: Pathogenic. Last evaluated: 2019-02-15. Review status: criteria provided, single submitter. Criteria: Quest Diagnostics criteria. Collection method: clinical testing. Allele origin: unknown.
Comment: This variant has been reported as pathogenic in multiple individuals and families with Von Hippel-Lindau disease in the published literature, where it has been shown to segregate with disease (PMIDs: 21204227 (2011), 19763184 (2009), 19336503 (2009), 11709017 (2001), 11483638 (2001), 10567493 (1999), 10408776 (1999), and 7759077 (1995)). Multiple experimental studies indicate that the variant is damaging to VHL protein function (PMIDs: 28643803 (2017), 20855504 (2010), 20388653 (2010), 19620968 (2009), and 16261165 (2006)). Therefore, the variant is classified as pathogenic.

Eurofins Ntd Llc (ga)
Classification: Pathogenic. Last evaluated: 2015-03-23. Review status: criteria provided, single submitter. Criteria: EGL Classification Definitions 2015. Collection method: clinical testing. Allele origin: germline. Observed: 5 variant alleles, 5 heterozygotes.

Clinical Genomics Labs, University Health Network
Classification: Pathogenic for Von Hippel-Lindau syndrome. Last evaluated: 2019-05-24. Review status: no assertion criteria provided. Criteria: ACMG Guidelines, 2015. Collection method: clinical testing. Allele origin: germline. Not counted in ClinVar's aggregate classification.

Genomic Diagnostic Laboratory, Division of Genomic Diagnostics, Children's Hospital of Philadelphia
Classification: Pathogenic for Von Hippel-Lindau syndrome. Last evaluated: 2016-02-26. Review status: no assertion criteria provided. Collection method: clinical testing. Allele origin: germline. Affected: yes. Observed: 75 variant alleles. Not counted in ClinVar's aggregate classification.

OMIM
Classification: Pathogenic for VON HIPPEL-LINDAU SYNDROME. Last evaluated: 2001-11-01. Review status: no assertion criteria provided. Collection method: literature only. Allele origin: germline. Not counted in ClinVar's aggregate classification.

Literature cited by the submitters: PubMed 7728151 (cited by 6 submitters); PubMed 7759077 (cited by 9 submitters); PubMed 10408776 (cited by 3 submitters); PubMed 11483638 (cited by 7 submitters); PubMed 19336503 (cited by 5 submitters); PubMed 19763184 (cited by 3 submitters); PubMed 21204227 (cited by 6 submitters); PubMed 10878807 (cited by 3 submitters); PubMed 11331612 (cited by 7 submitters); PubMed 11331613 (cited by 5 submitters); PubMed 12510195 (cited by 4 submitters); PubMed 16261165 (cited by 5 submitters); PubMed 23840444 (cited by 6 submitters); PubMed 25371412 (cited by 5 submitters); PubMed 11709017 (cited by 5 submitters); PubMed 19602254 (cited by 6 submitters); PubMed 28052007 (cited by Color Diagnostics, LLC DBA Color Health and Myriad Genetics, Inc.); PubMed 31538058 (cited by 3 submitters); PubMed 32869749 (cited by Color Diagnostics, LLC DBA Color Health and Myriad Genetics, Inc.); PubMed 34416425 (cited by Color Diagnostics, LLC DBA Color Health and Myriad Genetics, Inc.); PubMed 21715564 (cited by Institute for Genomic Medicine (IGM) Clinical Laboratory, Nationwide Children's Hospital); PubMed 38969834 (cited by Institute for Genomic Medicine (IGM) Clinical Laboratory, Nationwide Children's Hospital); PubMed 7977367 (cited by 3 submitters); PubMed 10205047 (cited by Institute for Genomic Medicine (IGM) Clinical Laboratory, Nationwide Children's Hospital); PubMed 35475554 (cited by Institute for Genomic Medicine (IGM) Clinical Laboratory, Nationwide Children's Hospital); PubMed 12000816 (cited by 4 submitters); PubMed 15300849 (cited by 3 submitters); PubMed 20660572 (cited by 3 submitters); PubMed 23434161 (cited by Ambry Genetics); PubMed 29625052 (cited by Ambry Genetics); PubMed 30902965 (cited by Ambry Genetics); PubMed 7987306 (cited by 3 submitters); PubMed 18836774 (cited by Athena Diagnostics and Quest Diagnostics Nichols Institute San Juan Capistrano); PubMed 28643803 (cited by Athena Diagnostics and Quest Diagnostics Nichols Institute San Juan Capistrano); PubMed 10567493 (cited by Athena Diagnostics and Quest Diagnostics Nichols Institute San Juan Capistrano); PubMed 10587522 (cited by Athena Diagnostics and Quest Diagnostics Nichols Institute San Juan Capistrano); PubMed 10900011 (cited by Athena Diagnostics and Quest Diagnostics Nichols Institute San Juan Capistrano); PubMed 11309459 (cited by Athena Diagnostics and Quest Diagnostics Nichols Institute San Juan Capistrano); PubMed 12538644 (cited by Athena Diagnostics and Quest Diagnostics Nichols Institute San Juan Capistrano); PubMed 12912922 (cited by Athena Diagnostics and Quest Diagnostics Nichols Institute San Juan Capistrano); PubMed 14973063 (cited by Athena Diagnostics and Quest Diagnostics Nichols Institute San Juan Capistrano); PubMed 16314641 (cited by Athena Diagnostics and Quest Diagnostics Nichols Institute San Juan Capistrano); PubMed 16505488 (cited by Athena Diagnostics and Quest Diagnostics Nichols Institute San Juan Capistrano); PubMed 19620968 (cited by Athena Diagnostics and Quest Diagnostics Nichols Institute San Juan Capistrano); PubMed 19808854 (cited by Athena Diagnostics and Quest Diagnostics Nichols Institute San Juan Capistrano); PubMed 20388653 (cited by Athena Diagnostics and Quest Diagnostics Nichols Institute San Juan Capistrano); PubMed 20855504 (cited by Athena Diagnostics and Quest Diagnostics Nichols Institute San Juan Capistrano); PubMed 8707293 (cited by Athena Diagnostics and Quest Diagnostics Nichols Institute San Juan Capistrano); PubMed 7784063 (cited by OMIM); PubMed 9880225 (cited by OMIM).